The following is an entry in ClinVar:

NM_001220.5(CAMK2B):c.1059+3G>C

Gene: CAMK2B (calcium/calmodulin dependent protein kinase II beta; minus strand). Cytogenetic location: 7p13.
Variant type: single nucleotide variant.
Coding change: c.1059+3G>C on transcript NM_001220.5 (MANE Select); 3 bases into the intron after coding-DNA position 1059, G replaced by C.
Molecular consequence: intron variant.
Genome position (GRCh38, 1-based): chr7:44,234,636, C>G on the plus strand (G>C on the coding strand, the complement: CAMK2B is on the minus strand). VCF-style: chr7-44234636-C-G. GRCh37 (hg19) VCF-style: chr7-44274235-C-G.
Other names: c.946+6071G>C (NM_172084.3); c.984+3G>C (NM_172080.3); c.987+3G>C (NM_172083.3, NM_172081.3, NM_172079.3); c.1059+3G>C (NM_172082.3, NM_001293170.2, NM_172078.3).
Identifiers: ClinVar variation 1488470 (VCV001488470.6), dbSNP rs2128934785, ClinGen allele CA2573142140.

ClinVar aggregate classification (germline): Uncertain significance (1 of 4 stars; one submission).

Submission:

Labcorp Genetics (formerly Invitae), Labcorp
Classification: Uncertain significance. Last evaluated: 2022-08-15. Review status: criteria provided, single submitter. Criteria: Invitae Variant Classification Sherloc (09022015). Collection method: clinical testing. Allele origin: germline.
Comment: This sequence change falls in intron 14 of the CAMK2B gene. It does not directly change the encoded amino acid sequence of the CAMK2B protein. It affects a nucleotide within the consensus splice site. This variant is not present in population databases (gnomAD no frequency). In summary, the available evidence is currently insufficient to determine the role of this variant in disease. Therefore, it has been classified as a Variant of Uncertain Significance. Variants that disrupt the consensus splice site are a relatively common cause of aberrant splicing (PMID: 17576681, 9536098). Algorithms developed to predict the effect of sequence changes on RNA splicing suggest that this variant may disrupt the consensus splice site. ClinVar contains an entry for this variant (Variation ID: 1488470). This variant has not been reported in the literature in individuals affected with CAMK2B-related conditions.

Literature cited by the submitters: PubMed 17576681; PubMed 9536098.